The following is an entry in ClinVar:

NM_001458.5(FLNC):c.4402G>A (p.Asp1468Asn)

Gene: FLNC (filamin C; plus strand). Cytogenetic location: 7q32.1.
Variant type: single nucleotide variant.
Coding change: c.4402G>A on transcript NM_001458.5 (MANE Select); coding-DNA position 4402, G replaced by A.
Protein change: p.Asp1468Asn; replaces aspartic acid 1468 with asparagine.
Molecular consequence: missense variant.
Genome position (GRCh38, 1-based): chr7:128,847,810, G>A. VCF-style: chr7-128847810-G-A. GRCh37 (hg19) VCF-style: chr7-128487864-G-A.
Other names: c.4402G>A, p.Asp1468Asn (NM_001127487.2); short protein forms D1468N.
Identifiers: ClinVar variation 1898930 (VCV001898930.6), dbSNP rs1306417990, ClinGen allele CA369201503.
Genomic context (GRCh38, chr7:128,847,810, plus strand): 5'-TGCTCAGGGCCAGGGCTGGGGGCTGGTGTCAGGGCCCGGGTTCCTCAGACCTTCACAGTG[G>A]ATTGCAGTCAAGCTGGCCGGGCGCCCCTGCAGGTGGCTGTGCTGGGCCCCACAGGTATAG-3'
Protein context (NP_001449.3, residues 1458-1478): RARVPQTFTV[Asp1468Asn]CSQAGRAPLQ

ClinVar aggregate classification (germline): Conflicting classifications of pathogenicity. Review status: criteria provided, conflicting classifications (1 of 4 stars). 2 submissions from 2 submitters: Uncertain significance (1); Likely benign (1). Last evaluated 2024-08-12.

Conditions:
Cardiovascular phenotype. Identifiers: MedGen CN230736.
Hypertrophic cardiomyopathy 26. Also called: Cardiomyopathy, familial hypertrophic, 26. Identifiers: Orphanet 75249, MedGen C4310749, MONDO:0014883, OMIM 617047.
Myofibrillar myopathy 5. Also called: FILAMINOPATHY, AUTOSOMAL DOMINANT; Filaminopathy (type). Identifiers: Orphanet 171445, MedGen C1836050, MONDO:0012289, OMIM 609524.
Distal myopathy with posterior leg and anterior hand involvement. Also called: WILLIAMS DISTAL MYOPATHY. Identifiers: Orphanet 63273, MedGen C3279722, MONDO:0013550, OMIM 614065.

Allele frequency attached by ClinVar (database versions not stated): TOPMed below 0.00001; gnomAD 0.00001.
gnomAD v4.1: 1 of 1,613,684 alleles (0.000062%); highest among the groups gnomAD compares: African/African-American, 0.0013%; no homozygotes.

Submissions (2):

Ambry Genetics
Classification: Uncertain significance for Cardiovascular phenotype. Last evaluated: 2024-08-12. Review status: criteria provided, single submitter. Criteria: Ambry Variant Classification Scheme 2023. Collection method: clinical testing. Allele origin: germline.
Comment: The p.D1468N variant (also known as c.4402G>A), located in coding exon 25 of the FLNC gene, results from a G to A substitution at nucleotide position 4402. The aspartic acid at codon 1468 is replaced by asparagine, an amino acid with highly similar properties. This amino acid position is conserved. In addition, the in silico prediction for this alteration is inconclusive. Based on the available evidence, the clinical significance of this variant remains unclear.

Labcorp Genetics (formerly Invitae), Labcorp
Classification: Likely benign for Distal myopathy with posterior leg and anterior hand involvement; Myofibrillar myopathy 5; Hypertrophic cardiomyopathy 26. Last evaluated: 2024-02-09. Review status: criteria provided, single submitter. Criteria: Invitae Variant Classification Sherloc (09022015). Collection method: clinical testing. Allele origin: germline.